The following is an entry in ClinVar:

ClinVar aggregate classification (germline): Benign/Likely benign. Review status: criteria provided, multiple submitters, no conflicts (2 of 4 stars). 3 submissions from 3 submitters: Benign (1); Likely benign (2). Last evaluated 2026-04-22.

Conditions:
Colorectal cancer, susceptibility to, 1. Also called: COLORECTAL ADENOMA AND CANCER, SUSCEPTIBILITY TO; COLORECTAL CANCER, SUSCEPTIBILITY TO, ON CHROMOSOME 9. Identifiers: MedGen C1837315, MONDO:0012132, OMIM 608812.

Allele frequency attached by ClinVar (database versions not stated): gnomAD 0.00001; TOPMed 0.00001.

Submissions (3):

Myriad Genetics, Inc.
Classification: Benign for Colorectal cancer, susceptibility to, 1. Last evaluated: 2026-04-22. Review status: criteria provided, single submitter. Criteria: Myriad Autosomal Dominant, Autosomal Recessive and X-Linked Classification Criteria (2023). Collection method: clinical testing. Allele origin: unknown.
Comment: This variant is considered benign. This variant is a silent/synonymous amino acid change and it is not expected to impact splicing.

Labcorp Genetics (formerly Invitae), Labcorp
Classification: Likely benign. Last evaluated: 2023-06-24. Review status: criteria provided, single submitter. Criteria: Invitae Variant Classification Sherloc (09022015). Collection method: clinical testing. Allele origin: germline.

Ambry Genetics
Classification: Likely benign. Last evaluated: 2019-02-19. Review status: criteria provided, single submitter. Criteria: Ambry Variant Classification Scheme 2023. Collection method: clinical testing. Allele origin: germline.

NM_024642.5(GALNT12):c.69G>T (p.Val23=)

Genes: GALNT12 (polypeptide N-acetylgalactosaminyltransferase 12; plus strand), LOC130002222 (ATAC-STARR-seq lymphoblastoid silent region 20123; plus strand). Cytogenetic location: 9q22.33.
Variant type: single nucleotide variant.
Coding change: c.69G>T on transcript NM_024642.5 (MANE Select); coding-DNA position 69, G replaced by T.
Protein change: p.Val23=; no amino-acid change (valine 23 retained).
Molecular consequence: synonymous variant.
Genome position (GRCh38, 1-based): chr9:98,807,767, G>T. VCF-style: chr9-98807767-G-T. GRCh37 (hg19) VCF-style: chr9-101570049-G-T.
Identifiers: ClinVar variation 826762 (VCV000826762.8), dbSNP rs1257424378, ClinGen allele CA466423698.